The following is an entry in ClinVar:

NM_000493.4(COL10A1):c.1851T>C (p.Asn617=)

Genes: COL10A1 (collagen type X alpha 1 chain; minus strand), NT5DC1 (5'-nucleotidase domain containing 1; plus strand). Cytogenetic location: 6q22.1.
Variant type: single nucleotide variant.
Coding change: c.1851T>C on transcript NM_000493.4 (MANE Select); coding-DNA position 1851, T replaced by C.
Protein change: p.Asn617=; no amino-acid change (asparagine 617 retained).
Molecular consequence: synonymous variant. On other transcripts: intron variant (1).
Genome position (GRCh38, 1-based): chr6:116,120,265, A>G on the plus strand (T>C on the coding strand, the complement: COL10A1 is on the minus strand). VCF-style: chr6-116120265-A-G. GRCh37 (hg19) VCF-style: chr6-116441428-A-G.
Other names: c.1851T>C, p.Asn617= (NM_001424106.1, NM_001424107.1); c.529+2320A>G (NM_152729.3).
Identifiers: ClinVar variation 355091 (VCV000355091.20), dbSNP rs61745148, ClinGen allele CA3968102.
Genomic context (GRCh38, chr6:116,120,265, plus strand): 5'-TGAAGCCTGATCCAGGTAGCCTTTGGTGTATTCATCATAGGTGTACATTACAGGGGTGCC[A>G]TTCTTATACAGGCCTACCCAAACATGAGTCCCTTTCACATGCACGTGGTATGAAAAATAG-3'
Protein context (NP_000484.2, residues 607-627): GTHVWVGLYK[Asn617=]GTPVMYTYDE

ClinVar aggregate classification (germline): Benign/Likely benign. Review status: criteria provided, multiple submitters, no conflicts (2 of 4 stars). 7 submissions from 7 submitters: Benign (3); Likely benign (4). Last evaluated 2026-05-11.

Conditions:
Metaphyseal chondrodysplasia, Schmid type (MCDS). Also called: SPONDYLOMETAPHYSEAL DYSPLASIA, JAPANESE TYPE. Identifiers: Orphanet 174, MedGen C0265289, MONDO:0007983, OMIM 156500.

Allele frequency attached by ClinVar (database versions not stated): gnomAD exomes 0.00038 and 0.00095; ExAC 0.00104; gnomAD 0.00305 and 0.00330; TOPMed 0.00359; ESP Exome Variant Server 0.00408; 1000 Genomes Project 0.00419; 1000 Genomes Project 30x 0.00437.
gnomAD v4.1: 1,055 of 1,614,240 alleles (0.065%); highest among the groups gnomAD compares: African/African-American, 1%; 3 homozygotes.

Submissions (7):

Women's Health and Genetics/Laboratory Corporation of America, LabCorp
Classification: Likely benign. Last evaluated: 2026-05-11. Review status: criteria provided, single submitter. Criteria: LabCorp Variant Classification Summary - May 2015. Collection method: clinical testing. Allele origin: germline.

Labcorp Genetics (formerly Invitae), Labcorp
Classification: Benign. Last evaluated: 2026-01-26. Review status: criteria provided, single submitter. Criteria: Invitae Variant Classification Sherloc (09022015). Collection method: clinical testing. Allele origin: germline.

ARUP Laboratories, Molecular Genetics and Genomics, ARUP Laboratories
Classification: Benign for Metaphyseal chondrodysplasia, Schmid type. Last evaluated: 2024-10-28. Review status: criteria provided, single submitter. Criteria: ARUP Molecular Germline Variant Investigation Process 2024. Collection method: clinical testing. Allele origin: germline.

Blueprint Genetics
Classification: Benign. Last evaluated: 2024-10-21. Review status: criteria provided, single submitter. Criteria: ACMG Guidelines, 2015. Collection method: clinical testing. Allele origin: germline.

GeneDx
Classification: Likely benign. Last evaluated: 2020-01-05. Review status: criteria provided, single submitter. Criteria: GeneDx Variant Classification Process June 2021. Collection method: clinical testing. Allele origin: germline. Affected: yes.

Illumina Laboratory Services, Illumina
Classification: Likely benign for Metaphyseal chondrodysplasia, Schmid type. Last evaluated: 2017-04-28. Review status: criteria provided, single submitter. Criteria: ICSL Variant Classification Criteria 13 December 2019. Collection method: clinical testing. Allele origin: germline.
Comment: This variant was observed as part of a predisposition screen in an ostensibly healthy population. A literature search was performed for the gene, cDNA change, and amino acid change (where applicable). No publications were found based on this search. Allele frequency data from public databases allowed determination this variant is unlikely to cause disease. Therefore, this variant is classified as likely benign.

Breakthrough Genomics
Classification: Likely benign. Review status: criteria provided, single submitter. Criteria: ACMG Guidelines, 2015. Collection method: not provided. Allele origin: germline. Inheritance: Autosomal dominant inheritance. Affected: yes.